The following is an entry in ClinVar:

NM_015909.4(NBAS):c.2606T>C (p.Leu869Pro)

Gene: NBAS (NBAS subunit of NRZ tethering complex; minus strand). Cytogenetic location: 2p24.3.
Variant type: single nucleotide variant.
Coding change: c.2606T>C on transcript NM_015909.4 (MANE Select); coding-DNA position 2606, T replaced by C.
Protein change: p.Leu869Pro; replaces leucine 869 with proline.
Molecular consequence: missense variant. On other transcripts: non-coding transcript variant (1).
Genome position (GRCh38, 1-based): chr2:15,417,684, A>G on the plus strand (T>C on the coding strand, the complement: NBAS is on the minus strand). VCF-style: chr2-15417684-A-G. GRCh37 (hg19) VCF-style: chr2-15557808-A-G.
Other names: short protein forms L869P.
Identifiers: ClinVar variation 1993694 (VCV001993694.4), dbSNP rs2529016406, ClinGen allele CA345887119.
Genomic context (GRCh38, chr2:15,417,684, plus strand): 5'-TCCAGAGTAACCAAATTGTCACAGAGAACCAGCAAACCAGGAATATTCCGCTCCATCCCA[A>G]GTCGAATAAGTGACAATGCACAGTCCACCTAAAATTGAAAAGCAACAATAAGTTCCTGAG-3'
Protein context (NP_056993.2, residues 859-879): QVDCALSLIR[Leu869Pro]GMERNIPGLL

ClinVar aggregate classification (germline): Uncertain significance (1 of 4 stars; one submission).

Submission:

Labcorp Genetics (formerly Invitae), Labcorp
Classification: Uncertain significance. Last evaluated: 2022-10-05. Review status: criteria provided, single submitter. Criteria: Invitae Variant Classification Sherloc (09022015). Collection method: clinical testing. Allele origin: germline.
Comment: Advanced modeling of protein sequence and biophysical properties (such as structural, functional, and spatial information, amino acid conservation, physicochemical variation, residue mobility, and thermodynamic stability) performed at Invitae indicates that this missense variant is not expected to disrupt NBAS protein function. In summary, the available evidence is currently insufficient to determine the role of this variant in disease. Therefore, it has been classified as a Variant of Uncertain Significance. This variant is not present in population databases (gnomAD no frequency). This sequence change replaces leucine, which is neutral and non-polar, with proline, which is neutral and non-polar, at codon 869 of the NBAS protein (p.Leu869Pro). This variant has not been reported in the literature in individuals affected with NBAS-related conditions.